The following is an entry in ClinVar:

ClinVar aggregate classification (germline): Uncertain significance. Review status: criteria provided, multiple submitters, no conflicts (2 of 4 stars). 2 submissions from 2 submitters: Uncertain significance (2). Last evaluated 2024-02-07.

Conditions:
Cohen syndrome (COH1). Also called: PEPPER SYNDROME; Cutis verticis gyrata, retinitis pigmentosa, and sensorineural deafness. Identifiers: Orphanet 193, MedGen C0265223, MONDO:0008999, OMIM 216550.

Allele frequency attached by ClinVar (database versions not stated): ExAC 0.00001; gnomAD exomes 0.00001.
gnomAD v4.1: 10 of 1,613,446 alleles (0.00062%); highest among the groups gnomAD compares: South Asian, 0.011%; no homozygotes.

Submissions (2):

Labcorp Genetics (formerly Invitae), Labcorp
Classification: Uncertain significance for Cohen syndrome. Last evaluated: 2024-02-07. Review status: criteria provided, single submitter. Criteria: Invitae Variant Classification Sherloc (09022015). Collection method: clinical testing. Allele origin: germline.
Comment: This sequence change replaces methionine, which is neutral and non-polar, with valine, which is neutral and non-polar, at codon 273 of the VPS13B protein (p.Met273Val). This variant is present in population databases (rs776278257, gnomAD 0.007%). This variant has not been reported in the literature in individuals affected with VPS13B-related conditions. ClinVar contains an entry for this variant (Variation ID: 2182791). Advanced modeling of protein sequence and biophysical properties (such as structural, functional, and spatial information, amino acid conservation, physicochemical variation, residue mobility, and thermodynamic stability) performed at Invitae indicates that this missense variant is expected to disrupt VPS13B protein function with a positive predictive value of 80%. In summary, the available evidence is currently insufficient to determine the role of this variant in disease. Therefore, it has been classified as a Variant of Uncertain Significance.

Blueprint Genetics
Classification: Uncertain significance. Last evaluated: 2021-09-14. Review status: criteria provided, single submitter. Criteria: ACMG Guidelines, 2015. Collection method: clinical testing. Allele origin: germline.

NM_152564.5(VPS13B):c.817A>G (p.Met273Val)

Gene: VPS13B (vacuolar protein sorting 13 homolog B; plus strand). Cytogenetic location: 8q22.2.
Variant type: single nucleotide variant.
Coding change: c.817A>G on transcript NM_152564.5 (MANE Select); coding-DNA position 817, A replaced by G.
Protein change: p.Met273Val; replaces methionine 273 with valine.
Molecular consequence: missense variant. On other transcripts: non-coding transcript variant (1).
Genome position (GRCh38, 1-based): chr8:99,115,754, A>G. VCF-style: chr8-99115754-A-G. GRCh37 (hg19) VCF-style: chr8-100127982-A-G.
Other names: c.817A>G, p.Met273Val (NM_015243.3, NM_017890.5, NM_181661.3); short protein forms M273V.
Identifiers: ClinVar variation 2182791 (VCV002182791.4), dbSNP rs776278257, ClinGen allele CA4822482.
Genomic context (GRCh38, chr8:99,115,754, plus strand): 5'-ATGCAGATTCATACTTTAGTGGAAAGTTTGAAACTTTCTATCACAGATCAACAACTGCCT[A>G]TGTTTATTCGTATAATGCAACTTGGAATTGCTCTTTACTATGGAGAAATAGGCAATTTTA-3'
Protein context (NP_689777.3, residues 263-283): KLSITDQQLP[Met273Val]FIRIMQLGIA